The following is an entry in ClinVar:

ClinVar aggregate classification (germline): Conflicting classifications of pathogenicity. Review status: criteria provided, conflicting classifications (1 of 4 stars). 3 submissions from 3 submitters: Uncertain significance (1); Likely benign (2). Last evaluated 2026-04-09.

Conditions:
PTPRO-related disorder. Also called: PTPRO-related condition.

Allele frequency attached by ClinVar (database versions not stated): TOPMed 0.00002; gnomAD 0.00021; gnomAD exomes 0.00022; ExAC 0.00041; 1000 Genomes Project 30x 0.00094; 1000 Genomes Project 0.00100.
gnomAD v4.1: 357 of 1,611,910 alleles (0.022%); highest among the groups gnomAD compares: South Asian, 0.35%; 4 homozygotes.

Submissions (3):

PreventionGenetics, part of Exact Sciences
Classification: Likely benign for PTPRO-related condition. Last evaluated: 2026-04-09. Review status: criteria provided, single submitter. Criteria: ACMG Guidelines, 2015. Collection method: clinical testing. Allele origin: germline.
Comment: This variant is classified as likely benign based on ACMG/AMP sequence variant interpretation guidelines (Richards et al. 2015 PMID: 25741868, with internal and published modifications).

Labcorp Genetics (formerly Invitae), Labcorp
Classification: Likely benign. Last evaluated: 2025-08-29. Review status: criteria provided, single submitter. Criteria: Invitae Variant Classification Sherloc (09022015). Collection method: clinical testing. Allele origin: germline.

Blueprint Genetics
Classification: Uncertain significance. Last evaluated: 2024-02-01. Review status: criteria provided, single submitter. Criteria: ACMG Guidelines, 2015. Collection method: clinical testing. Allele origin: germline.

NM_030667.3(PTPRO):c.1777G>A (p.Val593Met)

Gene: PTPRO (protein tyrosine phosphatase receptor type O; plus strand). Cytogenetic location: 12p12.3.
Variant type: single nucleotide variant.
Coding change: c.1777G>A on transcript NM_030667.3 (MANE Select); coding-DNA position 1777, G replaced by A.
Protein change: p.Val593Met; replaces valine 593 with methionine.
Molecular consequence: missense variant.
Genome position (GRCh38, 1-based): chr12:15,516,954, G>A. VCF-style: chr12-15516954-G-A. GRCh37 (hg19) VCF-style: chr12-15669888-G-A.
Other names: c.1777G>A, p.Val593Met (NM_002848.4); c.1777G>A (NM_030667.2); short protein forms V593M.
Identifiers: ClinVar variation 2159946 (VCV002159946.6), dbSNP rs368334371, ClinGen allele CA6466604.